The following is an entry in ClinVar:

NM_001128126.3(AP4S1):c.306+2922_306+2938dup

Gene: AP4S1 (adaptor related protein complex 4 subunit sigma 1; plus strand). Cytogenetic location: 14q12.
Variant type: Duplication.
Coding change: c.306+2922_306+2938dup on transcript NM_001128126.3 (MANE Select); bases 2922 to 2938 of the intron after coding-DNA position 306, 17 bases duplicated (TTTTTTTTTTTTTTTTT).
Molecular consequence: intron variant.
Genome position (GRCh38, 1-based): chr14:31,083,506-31,083,522, TTTTTTTTTTTTTTTTT duplicated; duplicating any 17 consecutive bases within chr14:31,083,497-31,083,522 gives the same sequence; the c. name uses the placement nearest the transcript's 3' end. VCF-style (leftmost placement, unchanged base first): chr14-31083496-C-CTTTTTTTTTTTTTTTTT. GRCh37 (hg19) VCF-style: chr14-31552702-C-CTTTTTTTTTTTTTTTTT.
Other names: c.306+2922_306+2938dup (NM_001254729.2, NM_001254728.2); c.367-20_367-4dup (NM_001254727.2); c.367-1263_367-1247dup (NM_007077.5); c.295-1263_295-1247dup (NM_001254726.2).
Identifiers: ClinVar variation 4986678 (VCV004986678.1).
Genomic context (GRCh38, chr14:31,083,496, plus strand): 5'-GGTCTAAAAGTAGAGCAGGCAGCAGAGAAGGGCATGTGGCACCTCTTTTCTGTTGACACT[C>CTTTTTTTTTTTTTTTTT]TTTTTTTTTTTTTTTTTTTTTTTTTTGAGACAAGGTCTTGCTCTGTCACCCAGGCTGGAG-3'

ClinVar aggregate classification (germline): Likely benign (1 of 4 stars; one submission).

Conditions:
AP4S1-related disorder.

Submission:

PreventionGenetics, part of Exact Sciences
Classification: Likely benign for AP4S1-related condition. Last evaluated: 2026-05-05. Review status: criteria provided, single submitter. Criteria: ACMG Guidelines, 2015. Collection method: clinical testing. Allele origin: germline.
Comment: This variant is classified as likely benign based on ACMG/AMP sequence variant interpretation guidelines (Richards et al. 2015 PMID: 25741868, with internal and published modifications).